The following is an entry in ClinVar:

ClinVar aggregate classification (germline): Uncertain significance (1 of 4 stars; one submission).

Conditions:
Inborn genetic diseases. Identifiers: MedGen C0950123, MeSH D030342.

Submissions (2):

Ambry Genetics
Classification: Uncertain significance for Inborn genetic diseases. Last evaluated: 2025-08-25. Review status: criteria provided, single submitter. Criteria: Ambry Variant Classification Scheme 2023. Collection method: clinical testing. Allele origin: germline.
Comment: The c.1165+1G>A intronic alteration consists of a G to A substitution one nucleotide after coding exon 8 of the WAC gene. Alterations that disrupt the canonical splice site are expected to result in aberrant splicing. The resulting transcript is predicted to be in-frame and is not expected to trigger nonsense-mediated mRNA decay, although direct evidence is unavailable. This variant was not reported in population-based cohorts in the Genome Aggregation Database (gnomAD). In silico splice site analysis predicts that this alteration will weaken the native splice donor site. Based on insufficient or conflicting evidence, the clinical significance of this alteration remains unclear.

Dr. Peter K. Rogan Lab, Western University
No classification provided (evidence only). Condition: Ovarian serous cystadenocarcinoma. Review status: no classification provided. Collection method: in vitro. Allele origin: not applicable. Functional consequence: retained intron. Not counted in ClinVar's aggregate classification.

NM_016628.5(WAC):c.1165+1G>A

Gene: WAC (WW domain containing adaptor with coiled-coil; plus strand). Cytogenetic location: 10p12.1.
Variant type: single nucleotide variant.
Coding change: c.1165+1G>A on transcript NM_016628.5 (MANE Select); the canonical splice donor site of the intron after coding-DNA position 1165, G replaced by A.
Molecular consequence: splice donor variant.
Genome position (GRCh38, 1-based): chr10:28,608,432, G>A. VCF-style: chr10-28608432-G-A. GRCh37 (hg19) VCF-style: chr10-28897361-G-A.
Other names: NC_000010.10:g.28897361G>A; c.1030+1G>A (NM_100264.3); c.856+1G>A (NM_100486.4).
Identifiers: ClinVar variation 4200052 (VCV004200052.2).